The following is an entry in ClinVar:

NM_145038.5(DRC1):c.2081G>C (p.Arg694Thr)

Gene: DRC1 (dynein regulatory complex subunit 1; plus strand). Cytogenetic location: 2p23.3.
Variant type: single nucleotide variant.
Coding change: c.2081G>C on transcript NM_145038.5 (MANE Select); coding-DNA position 2081, G replaced by C.
Protein change: p.Arg694Thr; replaces arginine 694 with threonine.
Molecular consequence: missense variant.
Genome position (GRCh38, 1-based): chr2:26,455,148, G>C. VCF-style: chr2-26455148-G-C. GRCh37 (hg19) VCF-style: chr2-26678016-G-C.
Other names: c.2081G>C (NM_145038.4, NM_145038.2); short protein forms R694T.
Identifiers: ClinVar variation 525384 (VCV000525384.9), dbSNP rs372797665, ClinGen allele CA1562513.
Genomic context (GRCh38, chr2:26,455,148, plus strand): 5'-ATGGAGGATTCAGTGAGCCTCTAACCGATTTTTCTGTCCAAAGCCTTGTCCTGACCCAGA[G>C]GGCCAAGCTGCTGCTGGAAAACAGTTCTCTGGAGCAGCAGAACACAGAGCTGCAGGCGCT-3'
Protein context (NP_659475.2, residues 684-704): LEKYHLVLTQ[Arg694Thr]AKLLLENSSL

ClinVar aggregate classification (germline): Uncertain significance. Review status: criteria provided, multiple submitters, no conflicts (2 of 4 stars). 3 submissions from 3 submitters: Uncertain significance (2). 1 of the submissions does not count toward it. Last evaluated 2024-11-05.

Conditions:
Primary ciliary dyskinesia. Also called: Ciliary dyskinesia. Identifiers: Orphanet 244, MedGen C0008780, MONDO:0016575, HP:0012265.
DRC1-related disorder. Also called: DRC1-related condition.
Inborn genetic diseases. Identifiers: MedGen C0950123, MeSH D030342.

Allele frequency attached by ClinVar (database versions not stated): ESP Exome Variant Server 0.00008; TOPMed 0.00017; 1000 Genomes Project 0.00020; 1000 Genomes Project 30x 0.00031.

Submissions (3):

Labcorp Genetics (formerly Invitae), Labcorp
Classification: Uncertain significance for Primary ciliary dyskinesia. Last evaluated: 2024-11-05. Review status: criteria provided, single submitter. Criteria: Invitae Variant Classification Sherloc (09022015). Collection method: clinical testing. Allele origin: germline.
Comment: This sequence change replaces arginine, which is basic and polar, with threonine, which is neutral and polar, at codon 694 of the DRC1 protein (p.Arg694Thr). This variant is present in population databases (rs372797665, gnomAD 0.09%). This missense change has been observed in individual(s) with clinical features of primary ciliary dyskinesia (PMID: 34768622). ClinVar contains an entry for this variant (Variation ID: 525384). An algorithm developed to predict the effect of missense changes on protein structure and function (PolyPhen-2) suggests that this variant is likely to be disruptive. In summary, the available evidence is currently insufficient to determine the role of this variant in disease. Therefore, it has been classified as a Variant of Uncertain Significance.

Ambry Genetics
Classification: Uncertain significance for Inborn genetic diseases. Last evaluated: 2021-10-22. Review status: criteria provided, single submitter. Criteria: Ambry Variant Classification Scheme 2023. Collection method: clinical testing. Allele origin: germline.

PreventionGenetics, part of Exact Sciences
Classification: Uncertain significance for DRC1-related condition. Last evaluated: 2024-09-06. Review status: no assertion criteria provided. Collection method: clinical testing. Allele origin: germline. Not counted in ClinVar's aggregate classification.
Comment: The DRC1 c.2081G>C variant is predicted to result in the amino acid substitution p.Arg694Thr. This variant, along with another DRC1 variant, has been reported in an individual with primary ciliary dyskinesia (Alsamri et al. 2021. PubMed ID: 34768622). This variant is reported in 0.087% of alleles in individuals of Latino descent in gnomAD. At this time, the clinical significance of this variant is uncertain due to the absence of conclusive functional and genetic evidence.

Literature cited by the submitters: PubMed 34768622 (cited by Labcorp Genetics (formerly Invitae), Labcorp).